The following is an entry in ClinVar:

NM_002972.4(SBF1):c.424A>G (p.Thr142Ala)

Gene: SBF1 (SET binding factor 1; minus strand). Cytogenetic location: 22q13.33.
Variant type: single nucleotide variant.
Coding change: c.424A>G on transcript NM_002972.4 (MANE Select); coding-DNA position 424, A replaced by G.
Protein change: p.Thr142Ala; replaces threonine 142 with alanine.
Molecular consequence: missense variant.
Genome position (GRCh38, 1-based): chr22:50,467,546, T>C on the plus strand (A>G on the coding strand, the complement: SBF1 is on the minus strand). VCF-style: chr22-50467546-T-C. GRCh37 (hg19) VCF-style: chr22-50905975-T-C.
Other names: c.427A>G, p.Thr143Ala (NM_001365819.1, NM_001410794.1); c.424A>G, p.Thr142Ala (NM_001410795.1, NM_197971.1); short protein forms T142A, T143A.
Identifiers: ClinVar variation 2107033 (VCV002107033.4), dbSNP rs1158783808, ClinGen allele CA412223153.

ClinVar aggregate classification (germline): Uncertain significance (1 of 4 stars; one submission).

Allele frequency attached by ClinVar (database versions not stated): TOPMed below 0.00001; gnomAD exomes 0.00002.

Submission:

Labcorp Genetics (formerly Invitae), Labcorp
Classification: Uncertain significance. Last evaluated: 2022-03-05. Review status: criteria provided, single submitter. Criteria: Invitae Variant Classification Sherloc (09022015). Collection method: clinical testing. Allele origin: germline.
Comment: This variant is present in population databases (no rsID available, gnomAD 0.002%). This variant has not been reported in the literature in individuals affected with SBF1-related conditions. Algorithms developed to predict the effect of missense changes on protein structure and function output the following: SIFT: "Tolerated"; PolyPhen-2: "Benign"; Align-GVGD: "Class C0". The alanine amino acid residue is found in multiple mammalian species, which suggests that this missense change does not adversely affect protein function. In summary, the available evidence is currently insufficient to determine the role of this variant in disease. Therefore, it has been classified as a Variant of Uncertain Significance. This sequence change replaces threonine, which is neutral and polar, with alanine, which is neutral and non-polar, at codon 142 of the SBF1 protein (p.Thr142Ala).